The following is an entry in ClinVar:

NM_152564.5(VPS13B):c.3308G>A (p.Trp1103Ter)

Gene: VPS13B (vacuolar protein sorting 13 homolog B; plus strand). Cytogenetic location: 8q22.2.
Variant type: single nucleotide variant.
Coding change: c.3308G>A on transcript NM_152564.5 (MANE Select); coding-DNA position 3308, G replaced by A.
Protein change: p.Trp1103Ter; replaces tryptophan 1103 with a stop codon.
Molecular consequence: nonsense.
Genome position (GRCh38, 1-based): chr8:99,442,498, G>A. VCF-style: chr8-99442498-G-A. GRCh37 (hg19) VCF-style: chr8-100454726-G-A.
Other names: c.3308G>A, p.Trp1103Ter (NM_017890.5); short protein forms W1103*.
Identifiers: ClinVar variation 1969487 (VCV001969487.5), dbSNP rs2490162291, ClinGen allele CA371870645.

ClinVar aggregate classification (germline): Pathogenic (1 of 4 stars; one submission).

Conditions:
Cohen syndrome (COH1). Also called: Cutis verticis gyrata, retinitis pigmentosa, and sensorineural deafness; PEPPER SYNDROME. Identifiers: Orphanet 193, MedGen C0265223, MONDO:0008999, OMIM 216550.

Submission:

Labcorp Genetics (formerly Invitae), Labcorp
Classification: Pathogenic for Cohen syndrome. Last evaluated: 2022-02-01. Review status: criteria provided, single submitter. Criteria: Invitae Variant Classification Sherloc (09022015). Collection method: clinical testing. Allele origin: germline.
Comment: This sequence change creates a premature translational stop signal (p.Trp1103*) in the VPS13B gene. It is expected to result in an absent or disrupted protein product. Loss-of-function variants in VPS13B are known to be pathogenic (PMID: 15141358, 16648375, 20461111). For these reasons, this variant has been classified as Pathogenic. This variant has not been reported in the literature in individuals affected with VPS13B-related conditions. This variant is not present in population databases (gnomAD no frequency).

Literature cited by the submitters: PubMed 15141358; PubMed 16648375; PubMed 20461111.